The following is an entry in ClinVar:

ClinVar aggregate classification (germline): Likely pathogenic. Review status: criteria provided, single submitter (1 of 4 stars). 2 submissions from 2 submitters: Likely pathogenic (1). 1 of the submissions does not count toward it. Last evaluated 2023-05-20.

Conditions:
Encephalopathy due to GLUT1 deficiency. Also called: De Vivo disease; GLUT1 deficiency syndrome 1; GLUT1 deficiency syndrome 1, infantile onset, severe; Classic Glucose Transporter Type 1 Deficiency Syndrome; GLUCOSE TRANSPORT DEFECT, BLOOD-BRAIN BARRIER; Glucose transporter protein syndrome. Identifiers: Orphanet 71277, MedGen C4551966, MONDO:0011724, OMIM 606777.
Childhood onset GLUT1 deficiency syndrome 2. Also called: GLUT1 deficiency syndrome 2; PxMD-SLC2A1; PAROXYSMAL EXERCISE-INDUCED DYSKINESIA WITH OR WITHOUT EPILEPSY AND/OR HEMOLYTIC ANEMIA; PAROXYSMAL EXERTION-INDUCED DYSTONIA WITH OR WITHOUT EPILEPSY AND/OR HEMOLYTIC ANEMIA; PED WITH OR WITHOUT EPILEPSY AND/OR HEMOLYTIC ANEMIA; Exertion-induced paroxysmal dyskinesia. Identifiers: Orphanet 98811, MedGen C1842534, MONDO:0012805, OMIM 612126.

Submissions (2):

Neuberg Centre For Genomic Medicine, NCGM
Classification: Likely pathogenic for Childhood onset GLUT1 deficiency syndrome 2. Last evaluated: 2023-05-20. Review status: criteria provided, single submitter. Criteria: ACMG Guidelines, 2015. Collection method: clinical testing. Allele origin: germline. Inheritance: Autosomal dominant inheritance. Affected: yes.
Comment: The observed stop gained variant c.913C>T(p.Gln305Ter) in SLC2A1 gene has not been reported previously as a pathogenic variant nor as a benign variant, to our knowledge. The c.913C>T variant is absent in gnomAD Exomes. Computational evidence (Mutation Taster - Disease causing) predicts damaging effect on protein structure and function for this variant.This variant is predicted to cause loss of normal protein function through protein truncation. Loss of function variants have been previously reported to be disease causing (Weber YG, et al., 2008). For these reasons, this variant has been classified as Likely Pathogenic.

EVOGEN
Classification: Likely pathogenic for Encephalopathy due to GLUT1 deficiency. Last evaluated: 2023-10-23. Review status: no assertion criteria provided. Collection method: clinical testing. Allele origin: germline. Affected: yes. Not counted in ClinVar's aggregate classification.

NM_006516.4(SLC2A1):c.913C>T (p.Gln305Ter)

Gene: SLC2A1 (solute carrier family 2 member 1; minus strand). Cytogenetic location: 1p34.2.
Variant type: single nucleotide variant.
Coding change: c.913C>T on transcript NM_006516.4 (MANE Select); coding-DNA position 913, C replaced by T.
Protein change: p.Gln305Ter; replaces glutamine 305 with a stop codon.
Molecular consequence: nonsense.
Genome position (GRCh38, 1-based): chr1:42,929,269, G>A on the plus strand (C>T on the coding strand, the complement: SLC2A1 is on the minus strand). VCF-style: chr1-42929269-G-A. GRCh37 (hg19) VCF-style: chr1-43394940-G-A.
Other names: short protein forms Q305*.
Identifiers: ClinVar variation 2626864 (VCV002626864.2), dbSNP rs2524990045, ClinGen allele CA339956715.
Genomic context (GRCh38, chr1:42,929,269, plus strand): 5'-CCGACACGACAGTGAAGGCCGTGTTGACGATACCGGAGCCAATGGTGGCATACACAGGCT[G>A]CTGCACCCCCGCCTTCTCGAAGATGCTCGTGGAGTAATAGAAGACCTGCCAGACAAGAGA-3'